The following is an entry in ClinVar:

NM_033028.5(BBS4):c.67C>T (p.Gln23Ter)

Gene: BBS4 (Bardet-Biedl syndrome 4; plus strand). Cytogenetic location: 15q24.1.
Variant type: single nucleotide variant.
Coding change: c.67C>T on transcript NM_033028.5 (MANE Select); coding-DNA position 67, C replaced by T.
Protein change: p.Gln23Ter; replaces glutamine 23 with a stop codon.
Molecular consequence: nonsense. On other transcripts: non-coding transcript variant (2), intron variant (1).
Genome position (GRCh38, 1-based): chr15:72,695,219, C>T. VCF-style: chr15-72695219-C-T. GRCh37 (hg19) VCF-style: chr15-72987560-C-T.
Other names: c.67C>T, p.Gln23Ter (NM_001320665.2); c.-446+8968C>T (NM_001252678.2); short protein forms Q23*.
Identifiers: ClinVar variation 1964049 (VCV001964049.6), dbSNP rs2542892241, ClinGen allele CA393075570.

ClinVar aggregate classification (germline): Pathogenic/Likely pathogenic. Review status: criteria provided, multiple submitters, no conflicts (2 of 4 stars). 2 submissions from 2 submitters: Pathogenic (1); Likely pathogenic (1). Last evaluated 2024-03-12.

Conditions:
Bardet-Biedl syndrome (BBS). Identifiers: Orphanet 110, MedGen C0752166, MONDO:0015229.
Bardet-Biedl syndrome 4 (BBS4). Identifiers: Orphanet 110, MedGen C2936864, MONDO:0014433, OMIM 615982.

Allele frequency attached by ClinVar (database versions not stated): gnomAD exomes below 0.00001.
gnomAD v4.1: 2 of 1,599,448 alleles (0.00013%); highest among the groups gnomAD compares: Non-Finnish European, 0.00017%; no homozygotes.

Submissions (2):

Baylor Genetics
Classification: Likely pathogenic for Bardet-Biedl syndrome 4. Last evaluated: 2024-03-12. Review status: criteria provided, single submitter. Criteria: ACMG Guidelines, 2015. Collection method: clinical testing. Allele origin: unknown.

Labcorp Genetics (formerly Invitae), Labcorp
Classification: Pathogenic for Bardet-Biedl syndrome. Last evaluated: 2023-06-13. Review status: criteria provided, single submitter. Criteria: Invitae Variant Classification Sherloc (09022015). Collection method: clinical testing. Allele origin: germline.
Comment: This sequence change creates a premature translational stop signal (p.Gln23*) in the BBS4 gene. It is expected to result in an absent or disrupted protein product. Loss-of-function variants in BBS4 are known to be pathogenic (PMID: 11381270, 12016587, 20177705, 27894351). This variant is not present in population databases (gnomAD no frequency). This variant has not been reported in the literature in individuals affected with BBS4-related conditions. ClinVar contains an entry for this variant (Variation ID: 1964049). Algorithms developed to predict the effect of sequence changes on RNA splicing suggest that this variant may disrupt the consensus splice site. For these reasons, this variant has been classified as Pathogenic.

Literature cited by the submitters: PubMed 11381270 (cited by Labcorp Genetics (formerly Invitae), Labcorp); PubMed 12016587 (cited by Labcorp Genetics (formerly Invitae), Labcorp); PubMed 20177705 (cited by Labcorp Genetics (formerly Invitae), Labcorp); PubMed 27894351 (cited by Labcorp Genetics (formerly Invitae), Labcorp).